The following is an entry in ClinVar:

ClinVar aggregate classification (germline): Conflicting classifications of pathogenicity. Review status: criteria provided, conflicting classifications (1 of 4 stars). 2 submissions from 2 submitters: Uncertain significance (1); Likely benign (1). Last evaluated 2025-04-10.

Conditions:
CREBBP-related disorder. Also called: CREBBP-related condition; CREBBP-related disorders.
Rubinstein-Taybi syndrome (RSTS). Identifiers: Orphanet 783, MedGen C0035934, MONDO:0019188.

gnomAD v4.1: 24 of 1,581,226 alleles (0.0015%); highest among the groups gnomAD compares: Non-Finnish European, 0.0021%; no homozygotes.

Submissions (2):

PreventionGenetics, part of Exact Sciences
Classification: Uncertain significance for CREBBP-related condition. Last evaluated: 2025-04-10. Review status: criteria provided, single submitter. Criteria: ACMG Guidelines, 2015. Collection method: clinical testing. Allele origin: germline.
Comment: The CREBBP c.5934C>G variant is predicted to result in the amino acid substitution p.Asn1978Lys. To our knowledge, this variant has not been reported in the literature. This variant is reported in 0.0011% of alleles in individuals of European (Non-Finnish) descent in gnomAD. At this time, the clinical significance of this variant is uncertain due to the absence of conclusive functional and genetic evidence.

Labcorp Genetics (formerly Invitae), Labcorp
Classification: Likely benign for Rubinstein-Taybi syndrome. Last evaluated: 2025-01-22. Review status: criteria provided, single submitter. Criteria: Invitae Variant Classification Sherloc (09022015). Collection method: clinical testing. Allele origin: germline.

NM_004380.3(CREBBP):c.5934C>G (p.Asn1978Lys)

Gene: CREBBP (CREB binding lysine acetyltransferase; minus strand). Cytogenetic location: 16p13.3.
Variant type: single nucleotide variant.
Coding change: c.5934C>G on transcript NM_004380.3 (MANE Select); coding-DNA position 5934, C replaced by G.
Protein change: p.Asn1978Lys; replaces asparagine 1978 with lysine.
Molecular consequence: missense variant.
Genome position (GRCh38, 1-based): chr16:3,729,113, G>C on the plus strand (C>G on the coding strand, the complement: CREBBP is on the minus strand). VCF-style: chr16-3729113-G-C. GRCh37 (hg19) VCF-style: chr16-3779114-G-C.
Other names: c.5820C>G, p.Asn1940Lys (NM_001079846.1); short protein forms N1940K, N1978K.
Identifiers: ClinVar variation 2633157 (VCV002633157.5), dbSNP rs754282387, ClinGen allele CA7869222.